The following is an entry in ClinVar:

NM_001009944.3(PKD1):c.5662G>A (p.Val1888Met)

Gene: PKD1 (polycystin 1, transient receptor potential channel interacting; minus strand). Cytogenetic location: 16p13.3.
Variant type: single nucleotide variant.
Coding change: c.5662G>A on transcript NM_001009944.3 (MANE Select); coding-DNA position 5662, G replaced by A.
Protein change: p.Val1888Met; replaces valine 1888 with methionine.
Molecular consequence: missense variant.
Genome position (GRCh38, 1-based): chr16:2,109,505, C>T on the plus strand (G>A on the coding strand, the complement: PKD1 is on the minus strand). VCF-style: chr16-2109505-C-T. GRCh37 (hg19) VCF-style: chr16-2159506-C-T.
Other names: c.5662G>A (NM_000296.3); c.5662G>A, p.Val1888Met (NM_000296.4); short protein forms V1888M.
Identifiers: ClinVar variation 3780267 (VCV003780267.3).

ClinVar aggregate classification (germline): Uncertain significance. Review status: criteria provided, multiple submitters, no conflicts (2 of 4 stars). 3 submissions from 3 submitters: Uncertain significance (3). Last evaluated 2026-04-08.

Conditions:
Polycystic kidney disease, adult type (PKD1). Also called: Polycystic Kidney Disease 1, Autosomal Dominant; Polycystic kidney disease 1; Polycystic kidney disease 1, severe; POLYCYSTIC KIDNEY DISEASE 1 WITH OR WITHOUT POLYCYSTIC LIVER DISEASE; Polycystic Kidney, Autosomal Dominant; POLYCYSTIC KIDNEY DISEASE, ADULT, TYPE I. Identifiers: MedGen C3149841, MONDO:0008263, OMIM 173900.
PKD1-related disorder. Also called: PKD1-related condition.
Inborn genetic diseases. Identifiers: MedGen C0950123, MeSH D030342.

gnomAD v4.1: 43 of 1,609,938 alleles (0.0027%); highest among the groups gnomAD compares: East Asian, 0.011%; no homozygotes.

Submissions (3):

PreventionGenetics, part of Exact Sciences
Classification: Uncertain significance for PKD1-related condition. Last evaluated: 2026-04-08. Review status: criteria provided, single submitter. Criteria: ACMG Guidelines, 2015. Collection method: clinical testing. Allele origin: germline.
Comment: The PKD1 c.5662G>A variant is predicted to result in the amino acid substitution p.Val1888Met. To our knowledge, this variant has not been reported in the literature. This variant is reported in 0.012% of alleles in individuals of European (Finnish) descent in gnomAD, which may be too common to be a primary cause of disease. Although we suspect that this variant may be benign, at this time, the clinical significance of this variant is uncertain due to the absence of conclusive functional and genetic evidence.

Ambry Genetics
Classification: Uncertain significance for Inborn genetic diseases. Last evaluated: 2025-05-18. Review status: criteria provided, single submitter. Criteria: Ambry Variant Classification Scheme 2023. Collection method: clinical testing. Allele origin: germline.

Department of Pathology and Laboratory Medicine, Sinai Health System
Classification: Uncertain significance for Polycystic kidney disease, adult type. Last evaluated: 2022-06-14. Review status: criteria provided, single submitter. Criteria: ACMG Guidelines, 2015. Collection method: clinical testing. Allele origin: germline. Affected: yes.